The following is an entry in ClinVar:

NM_014363.6(SACS):c.9249del (p.Leu3083_Ile3084insTer)

Gene: SACS (sacsin molecular chaperone; minus strand). Cytogenetic location: 13q12.12.
Variant type: Deletion.
Coding change: c.9249del on transcript NM_014363.6 (MANE Select); coding-DNA position 9249, one base deleted (T; older notation c.9249delT).
Protein change: p.Leu3083_Ile3084insTer.
Molecular consequence: frameshift variant.
Genome position (GRCh38, 1-based): chr13:23,334,627, A deleted on the plus strand (T on the coding strand, the reverse complement: SACS is on the minus strand); the first of 2 consecutive A bases (chr13:23,334,627-23,334,628); deleting either gives the same sequence. VCF-style (leftmost placement, unchanged base first): chr13-23334626-TA-T. GRCh37 (hg19) VCF-style: chr13-23908765-TA-T.
Other names: c.8808del, p.Leu2936_Ile2937insTer (NM_001278055.2).
Identifiers: ClinVar variation 841237 (VCV000841237.9), dbSNP rs1868403104, ClinGen allele CA916083345.
Genomic context (GRCh38, chr13:23,334,626, plus strand): 5'-TCATTAAAAAAGATCTGATATCAGCAGGGGTCACATAACTAACAGGAATATCTGCATCTA[TA>T]AGACAGTGGTAAAGATTAGCAGTTTCATCACAGTTATAAACCAAGTTGAAACCAATTTCT-3'

ClinVar aggregate classification (germline): Pathogenic (1 of 4 stars; one submission).

Conditions:
Spastic paraplegia. Identifiers: MedGen C0037772, HP:0001258.

Submission:

Labcorp Genetics (formerly Invitae), Labcorp
Classification: Pathogenic for Spastic paraplegia. Last evaluated: 2019-04-06. Review status: criteria provided, single submitter. Criteria: Invitae Variant Classification Sherloc (09022015). Collection method: clinical testing. Allele origin: germline.
Comment: This sequence change results in a premature translational stop signal in the SACS gene (p.Ile3084*). While this is not anticipated to result in nonsense mediated decay, it is expected to disrupt the last 1496 amino acids of the SACS protein. This variant is not present in population databases (ExAC no frequency). This variant has not been reported in the literature in individuals with SACS-related conditions. This variant disrupts the C-terminus of the SACS protein. Other variant(s) that disrupt this region (p.Arg3903* and p.Arg3636*) have been determined to be pathogenic (PMID: 18465152, 19892370, 21745802, 29915382). This suggests that variants that disrupt this region of the protein are likely to be causative of disease. For these reasons, this variant has been classified as Pathogenic.

Literature cited by the submitters: PubMed 18465152; PubMed 19892370; PubMed 21745802; PubMed 29915382.